The following is an entry in ClinVar:

ClinVar aggregate classification (germline): Conflicting classifications of pathogenicity. Review status: criteria provided, conflicting classifications (1 of 4 stars). 2 submissions from 2 submitters: Uncertain significance (1); Benign (1). Last evaluated 2026-01-27.

Allele frequency attached by ClinVar (database versions not stated): 1000 Genomes Project 30x 0.00016; 1000 Genomes Project 0.00020; gnomAD 0.00066 and 0.00071; TOPMed 0.00072; gnomAD exomes 0.00099 and 0.00121; ESP Exome Variant Server 0.00123; ExAC 0.00150.
gnomAD v4.1: 1,546 of 1,614,136 alleles (0.096%); highest among the groups gnomAD compares: Non-Finnish European, 0.1%; 2 homozygotes.

Submissions (2):

Labcorp Genetics (formerly Invitae), Labcorp
Classification: Benign. Last evaluated: 2026-01-27. Review status: criteria provided, single submitter. Criteria: Invitae Variant Classification Sherloc (09022015). Collection method: clinical testing. Allele origin: germline.

GeneDx
Classification: Uncertain significance. Last evaluated: 2022-04-01. Review status: criteria provided, single submitter. Criteria: GeneDx Variant Classification Process June 2021. Collection method: clinical testing. Allele origin: germline. Affected: yes.
Comment: In silico analysis supports that this missense variant does not alter protein structure/function; Has not been previously published as pathogenic or benign to our knowledge; Variants in candidate genes are classified as variants of uncertain significance in accordance with ACMG guidelines (Richards 2015)

NM_014633.5(CTR9):c.3149A>G (p.Lys1050Arg)

Gene: CTR9 (CTR9 component of Paf1/RNA polymerase II complex; plus strand). Cytogenetic location: 11p15.4.
Variant type: single nucleotide variant.
Coding change: c.3149A>G on transcript NM_014633.5 (MANE Select); coding-DNA position 3149, A replaced by G.
Protein change: p.Lys1050Arg; replaces lysine 1050 with arginine.
Molecular consequence: missense variant.
Genome position (GRCh38, 1-based): chr11:10,778,732, A>G. VCF-style: chr11-10778732-A-G. GRCh37 (hg19) VCF-style: chr11-10800279-A-G.
Other names: c.3077A>G, p.Lys1026Arg (NM_001346279.2); short protein forms K1026R, K1050R.
Identifiers: ClinVar variation 1169928 (VCV001169928.11), dbSNP rs141131642, ClinGen allele CA5885528.